The following is an entry in ClinVar:

NM_005515.4(MNX1):c.483C>T (p.His161=)

Genes: MNX1 (motor neuron and pancreas homeobox 1; minus strand), LOC129999735 (ATAC-STARR-seq lymphoblastoid silent region 18857; plus strand). Cytogenetic location: 7q36.3.
Variant type: single nucleotide variant.
Coding change: c.483C>T on transcript NM_005515.4 (MANE Select); coding-DNA position 483, C replaced by T.
Protein change: p.His161=; no amino-acid change (histidine 161 retained).
Molecular consequence: synonymous variant.
Genome position (GRCh38, 1-based): chr7:157,009,868, G>A on the plus strand (C>T on the coding strand, the complement: MNX1 is on the minus strand). VCF-style: chr7-157009868-G-A. GRCh37 (hg19) VCF-style: chr7-156802562-G-A.
Identifiers: ClinVar variation 1662575 (VCV001662575.33), dbSNP rs1171559580, ClinGen allele CA458894642.
Genomic context (GRCh38, chr7:157,009,868, plus strand): 5'-CGCCGGGTGCTGGCCCGCCAGCGCAGCCGCCGCCGCCGCCGCGGAGTAGCCGTAGACCGG[G>A]TGGCCGTAGAGCGCCGCCTGCGCCGGGAGGCCCGCGCCGCCCTGCGCGCCCCCAGGGTGC-3'
Protein context (NP_005506.3, residues 151-171): GLPAQAALYG[His161=]PVYGYSAAAA

ClinVar aggregate classification (germline): Likely benign. Review status: criteria provided, multiple submitters, no conflicts (2 of 4 stars). 3 submissions from 3 submitters: Likely benign (3). Last evaluated 2025-12-29.

Conditions:
Currarino triad. Identifiers: Orphanet 1552, MedGen C1531773, MONDO:0008305, OMIM 176450.

Allele frequency attached by ClinVar (database versions not stated): gnomAD exomes 0.00014 and 0.00031; gnomAD 0.00016; TOPMed 0.00016.
gnomAD v4.1: 430 of 1,479,070 alleles (0.029%); highest among the groups gnomAD compares: Non-Finnish European, 0.037%; no homozygotes.

Submissions (3):

Labcorp Genetics (formerly Invitae), Labcorp
Classification: Likely benign. Last evaluated: 2025-12-29. Review status: criteria provided, single submitter. Criteria: Invitae Variant Classification Sherloc (09022015). Collection method: clinical testing. Allele origin: germline.

CeGaT Center for Human Genetics Tuebingen
Classification: Likely benign. Last evaluated: 2023-04-01. Review status: criteria provided, single submitter. Criteria: CeGaT Center For Human Genetics Tuebingen Variant Classification Criteria Version 2. Collection method: clinical testing. Allele origin: germline. Affected: yes. Observed: 1 variant allele.
Comment: MNX1: BP4, BP7

Fulgent Genetics
Classification: Likely benign for Currarino triad. Last evaluated: 2021-12-14. Review status: criteria provided, single submitter. Criteria: ACMG Guidelines, 2015. Collection method: clinical testing. Allele origin: unknown.